The following is an entry in ClinVar:

NM_000517.6(HBA2):c.176_190del (p.His59_Ala64delinsPro)

Genes: HBA2 (hemoglobin subunit alpha 2; plus strand), LOC106804612 (hemoglobin subunit alpha 2 recombination region; plus strand). Cytogenetic location: 16p13.3.
Variant type: Deletion.
Coding change: c.176_190del on transcript NM_000517.6 (MANE Select); coding-DNA positions 176 to 190, 15 bases deleted (ACGGCAAGAAGGTGG).
Protein change: p.His59_Ala64delinsPro.
Molecular consequence: inframe indel.
Genome position (GRCh38, 1-based): chr16:173,205-173,219, ACGGCAAGAAGGTGG deleted. VCF-style (leftmost placement, unchanged base first): chr16-173204-CACGGCAAGAAGGTGG-C. GRCh37 (hg19) VCF-style: chr16-223203-CACGGCAAGAAGGTGG-C.
Identifiers: ClinVar variation 4818635 (VCV004818635.1).
Genomic context (GRCh38, chr16:173,204, plus strand): 5'-ACCACCAAGACCTACTTCCCGCACTTCGACCTGAGCCACGGCTCTGCCCAGGTTAAGGGC[CACGGCAAGAAGGTGG>C]CCGACGCGCTGACCAACGCCGTGGCGCACGTGGACGACATGCCCAACGCGCTGTCCGCCC-3'

ClinVar aggregate classification (germline): Likely pathogenic (1 of 4 stars; one submission).

Conditions:
alpha Thalassemia. Also called: Alpha thalassemia spectrum. Identifiers: Orphanet 846, MedGen C0002312, MONDO:0011399, OMIM 604131.

Submission:

Natera, Inc.
Classification: Likely pathogenic for Alpha thalassemia. Last evaluated: 2025-12-30. Review status: criteria provided, single submitter. Criteria: Natera Variant Classification Schema (03/2026). Collection method: clinical testing. Allele origin: germline.
Comment: The c.176_190del variant in HBA2 is an in-frame deletion. This variant is rare in the general population with a frequency below the threshold expected for the associated phenotype(s). This variant results in a change to the protein length while preserving reading frame, which may disrupt normal protein structure or function. A different variant at the same position has been determined to be Pathogenic or Likely Pathogenic. Given the available evidence, this variant is classified as Likely Pathogenic.